The following is an entry in ClinVar:

ClinVar aggregate classification (germline): Uncertain significance. Review status: criteria provided, multiple submitters, no conflicts (2 of 4 stars). 2 submissions from 2 submitters: Uncertain significance (2). Last evaluated 2025-03-28.

gnomAD v4.1: 39 of 1,613,888 alleles (0.0024%); highest among the groups gnomAD compares: Non-Finnish European, 0.0028%; no homozygotes.

Submissions (2):

Ambry Genetics
Classification: Uncertain significance. Last evaluated: 2025-03-28. Review status: criteria provided, single submitter. Criteria: Ambry Variant Classification Scheme 2023. Collection method: clinical testing. Allele origin: germline.

Labcorp Genetics (formerly Invitae), Labcorp
Classification: Uncertain significance. Last evaluated: 2025-02-17. Review status: criteria provided, single submitter. Criteria: Invitae Variant Classification Sherloc (09022015). Collection method: clinical testing. Allele origin: germline.
Comment: This sequence change replaces glycine, which is neutral and non-polar, with serine, which is neutral and polar, at codon 96 of the LIPG protein (p.Gly96Ser). This variant is present in population databases (rs150879681, gnomAD 0.01%). This variant has not been reported in the literature in individuals affected with LIPG-related conditions. An algorithm developed to predict the effect of missense changes on protein structure and function (PolyPhen-2) suggests that this variant is likely to be disruptive. In summary, the available evidence is currently insufficient to determine the role of this variant in disease. Therefore, it has been classified as a Variant of Uncertain Significance.

NM_006033.4(LIPG):c.286G>A (p.Gly96Ser)

Gene: LIPG (lipase G, endothelial type; plus strand). Cytogenetic location: 18q21.1.
Variant type: single nucleotide variant.
Coding change: c.286G>A on transcript NM_006033.4 (MANE Select); coding-DNA position 286, G replaced by A.
Protein change: p.Gly96Ser; replaces glycine 96 with serine.
Molecular consequence: missense variant.
Genome position (GRCh38, 1-based): chr18:49,567,448, G>A. VCF-style: chr18-49567448-G-A. GRCh37 (hg19) VCF-style: chr18-47093818-G-A.
Other names: c.286G>A, p.Gly96Ser (NM_001308006.2); short protein forms G96S.
Identifiers: ClinVar variation 4047508 (VCV004047508.2).